The following is an entry in ClinVar:

ClinVar aggregate classification (germline): Uncertain significance. Review status: criteria provided, multiple submitters, no conflicts (2 of 4 stars). 2 submissions from 2 submitters: Uncertain significance (2). Last evaluated 2024-10-20.

Submissions (2):

Labcorp Genetics (formerly Invitae), Labcorp
Classification: Uncertain significance. Last evaluated: 2024-10-20. Review status: criteria provided, single submitter. Criteria: Invitae Variant Classification Sherloc (09022015). Collection method: clinical testing. Allele origin: germline.
Comment: This sequence change replaces tryptophan, which is neutral and slightly polar, with arginine, which is basic and polar, at codon 197 of the DMXL2 protein (p.Trp197Arg). This variant is not present in population databases (gnomAD no frequency). This variant has not been reported in the literature in individuals affected with DMXL2-related conditions. ClinVar contains an entry for this variant (Variation ID: 2007962). An algorithm developed to predict the effect of missense changes on protein structure and function (PolyPhen-2) suggests that this variant is likely to be disruptive. In summary, the available evidence is currently insufficient to determine the role of this variant in disease. Therefore, it has been classified as a Variant of Uncertain Significance.

GeneDx
Classification: Uncertain significance. Last evaluated: 2024-01-25. Review status: criteria provided, single submitter. Criteria: GeneDx Variant Classification Process June 2021. Collection method: clinical testing. Allele origin: germline.
Comment: Not observed at significant frequency in large population cohorts (gnomAD); In silico analysis supports that this missense variant has a deleterious effect on protein structure/function; Has not been previously published as pathogenic or benign to our knowledge

NM_001378457.1(DMXL2):c.589T>C (p.Trp197Arg)

Gene: DMXL2 (Dmx like 2; minus strand). Cytogenetic location: 15q21.2.
Variant type: single nucleotide variant.
Coding change: c.589T>C on transcript NM_001378457.1 (MANE Select); coding-DNA position 589, T replaced by C.
Protein change: p.Trp197Arg; replaces tryptophan 197 with arginine.
Molecular consequence: missense variant. On other transcripts: non-coding transcript variant (2).
Genome position (GRCh38, 1-based): chr15:51,547,387, A>G on the plus strand (T>C on the coding strand, the complement: DMXL2 is on the minus strand). VCF-style: chr15-51547387-A-G. GRCh37 (hg19) VCF-style: chr15-51839584-A-G.
Other names: c.589T>C (NM_001174116.1); c.589T>C, p.Trp197Arg (NM_001174116.3, NM_001174117.3, NM_001378458.1 and 7 more transcripts); short protein forms W197R.
Identifiers: ClinVar variation 2007962 (VCV002007962.6), dbSNP rs2548643163, ClinGen allele CA392469576.